The following is an entry in ClinVar:

ClinVar aggregate classification (germline): Uncertain significance. Review status: criteria provided, multiple submitters, no conflicts (2 of 4 stars). 3 submissions from 3 submitters: Uncertain significance (3). Last evaluated 2024-12-31.

Conditions:
Inborn genetic diseases. Identifiers: MedGen C0950123, MeSH D030342.
Myopathy, proximal, and ophthalmoplegia (CMYO6). Also called: MYOPATHY WITH CONGENITAL JOINT CONTRACTURES, OPHTHALMOPLEGIA, AND RIMMED VACUOLES; INCLUSION BODY MYOPATHY 3, AUTOSOMAL DOMINANT; CONGENITAL MYOPATHY 6 WITH OPHTHALMOPLEGIA. Identifiers: Orphanet 363677, Orphanet 79091, MedGen C1854106, MONDO:0011577, OMIM 605637.

Allele frequency attached by ClinVar (database versions not stated): TOPMed 0.00002; ExAC 0.00003; gnomAD exomes 0.00004; gnomAD 0.00005; ESP Exome Variant Server 0.00008.
gnomAD v4.1: 34 of 1,614,084 alleles (0.0021%); highest among the groups gnomAD compares: African/African-American, 0.012%; no homozygotes.

Submissions (3):

Ambry Genetics
Classification: Uncertain significance for Inborn genetic diseases. Last evaluated: 2024-12-31. Review status: criteria provided, single submitter. Criteria: Ambry Variant Classification Scheme 2023. Collection method: clinical testing. Allele origin: germline.

Labcorp Genetics (formerly Invitae), Labcorp
Classification: Uncertain significance for Myopathy, proximal, and ophthalmoplegia. Last evaluated: 2024-07-08. Review status: criteria provided, single submitter. Criteria: Invitae Variant Classification Sherloc (09022015). Collection method: clinical testing. Allele origin: germline.
Comment: This sequence change replaces arginine, which is basic and polar, with glutamine, which is neutral and polar, at codon 1350 of the MYH2 protein (p.Arg1350Gln). This variant is present in population databases (rs145438977, gnomAD 0.01%). This variant has not been reported in the literature in individuals affected with MYH2-related conditions. ClinVar contains an entry for this variant (Variation ID: 1421579). An algorithm developed to predict the effect of missense changes on protein structure and function (PolyPhen-2) suggests that this variant is likely to be tolerated. In summary, the available evidence is currently insufficient to determine the role of this variant in disease. Therefore, it has been classified as a Variant of Uncertain Significance.

Revvity Omics, Revvity
Classification: Uncertain significance for Myopathy, proximal, and ophthalmoplegia. Last evaluated: 2019-03-25. Review status: criteria provided, single submitter. Criteria: ACMG Guidelines, 2015. Collection method: clinical testing. Allele origin: germline.

NM_017534.6(MYH2):c.4049G>A (p.Arg1350Gln)

Genes: MYH2 (myosin heavy chain 2; minus strand), MYHAS (myosin heavy chain gene cluster antisense RNA; plus strand). Cytogenetic location: 17p13.1.
Variant type: single nucleotide variant.
Coding change: c.4049G>A on transcript NM_017534.6 (MANE Select); coding-DNA position 4049, G replaced by A.
Protein change: p.Arg1350Gln; replaces arginine 1350 with glutamine.
Molecular consequence: missense variant.
Genome position (GRCh38, 1-based): chr17:10,526,737, C>T on the plus strand (G>A on the coding strand, the complement: MYH2 is on the minus strand). VCF-style: chr17-10526737-C-T. GRCh37 (hg19) VCF-style: chr17-10430054-C-T.
Other names: c.4049G>A, p.Arg1350Gln (NM_001100112.2); c.4049G>A (NM_017534.5); short protein forms R1350Q.
Identifiers: ClinVar variation 1421579 (VCV001421579.9), dbSNP rs145438977, ClinGen allele CA8390736.